The following is an entry in ClinVar:

ClinVar aggregate classification (germline): Uncertain significance (1 of 4 stars; one submission).

gnomAD v4.1: 17 of 1,614,080 alleles (0.0011%); highest among the groups gnomAD compares: Non-Finnish European, 0.0014%; no homozygotes.

Submission:

Labcorp Genetics (formerly Invitae), Labcorp
Classification: Uncertain significance. Last evaluated: 2024-08-28. Review status: criteria provided, single submitter. Criteria: Invitae Variant Classification Sherloc (09022015). Collection method: clinical testing. Allele origin: germline.
Comment: This sequence change replaces serine, which is neutral and polar, with cysteine, which is neutral and slightly polar, at codon 561 of the LCT protein (p.Ser561Cys). This variant is not present in population databases (gnomAD no frequency). This variant has not been reported in the literature in individuals affected with LCT-related conditions. An algorithm developed to predict the effect of missense changes on protein structure and function (PolyPhen-2) suggests that this variant is likely to be disruptive. In summary, the available evidence is currently insufficient to determine the role of this variant in disease. Therefore, it has been classified as a Variant of Uncertain Significance.

NM_002299.4(LCT):c.1682C>G (p.Ser561Cys)

Gene: LCT (lactase; minus strand). Cytogenetic location: 2q21.3.
Variant type: single nucleotide variant.
Coding change: c.1682C>G on transcript NM_002299.4 (MANE Select); coding-DNA position 1682, C replaced by G.
Protein change: p.Ser561Cys; replaces serine 561 with cysteine.
Molecular consequence: missense variant.
Genome position (GRCh38, 1-based): chr2:135,817,366, G>C on the plus strand (C>G on the coding strand, the complement: LCT is on the minus strand). VCF-style: chr2-135817366-G-C. GRCh37 (hg19) VCF-style: chr2-136574936-G-C.
Other names: short protein forms S561C.
Identifiers: ClinVar variation 3689262 (VCV003689262.1).